The following is an entry in ClinVar:

NM_014516.4(CNOT3):c.800G>A (p.Ser267Asn)

Gene: CNOT3 (CCR4-NOT transcription complex subunit 3; plus strand). Cytogenetic location: 19q13.42.
Variant type: single nucleotide variant.
Coding change: c.800G>A on transcript NM_014516.4 (MANE Select); coding-DNA position 800, G replaced by A.
Protein change: p.Ser267Asn; replaces serine 267 with asparagine.
Molecular consequence: missense variant.
Genome position (GRCh38, 1-based): chr19:54,146,006, G>A. VCF-style: chr19-54146006-G-A. GRCh37 (hg19) VCF-style: chr19-54649742-G-A.
Other names: short protein forms S267N.
Identifiers: ClinVar variation 2817290 (VCV002817290.3), dbSNP rs373868033, ClinGen allele CA407761881.

ClinVar aggregate classification (germline): Uncertain significance (1 of 4 stars; one submission).

Submission:

Labcorp Genetics (formerly Invitae), Labcorp
Classification: Uncertain significance. Last evaluated: 2022-11-29. Review status: criteria provided, single submitter. Criteria: Invitae Variant Classification Sherloc (09022015). Collection method: clinical testing. Allele origin: germline.
Comment: This sequence change replaces serine, which is neutral and polar, with asparagine, which is neutral and polar, at codon 267 of the CNOT3 protein (p.Ser267Asn). This variant is not present in population databases (gnomAD no frequency). This variant has not been reported in the literature in individuals affected with CNOT3-related conditions. Algorithms developed to predict the effect of missense changes on protein structure and function are either unavailable or do not agree on the potential impact of this missense change (SIFT: "Tolerated"; PolyPhen-2: "Probably Damaging"; Align-GVGD: "Class C0"). In summary, the available evidence is currently insufficient to determine the role of this variant in disease. Therefore, it has been classified as a Variant of Uncertain Significance.